The following is an entry in ClinVar:

NM_000059.4(BRCA2):c.3847G>C (p.Val1283Leu)

Gene: BRCA2 (BRCA2 DNA repair associated; plus strand). Cytogenetic location: 13q13.1.
Variant type: single nucleotide variant.
Coding change: c.3847G>C on transcript NM_000059.4 (MANE Select); coding-DNA position 3847, G replaced by C.
Protein change: p.Val1283Leu; replaces valine 1283 with leucine.
Molecular consequence: missense variant.
Genome position (GRCh38, 1-based): chr13:32,338,202, G>C. VCF-style: chr13-32338202-G-C. GRCh37 (hg19) VCF-style: chr13-32912339-G-C.
Other names: c.3847G>C, p.Val1283Leu (NM_001406719.1, NM_001406720.1); short protein forms V1283L.
Identifiers: ClinVar variation 2121258 (VCV002121258.6), dbSNP rs754974533, ClinGen allele CA387778599.
Genomic context (GRCh38, chr13:32,338,202, plus strand): 5'-AGTAAATGTCATGATTCTGTTGTTTCAATGTTTAAGATAGAAAATCATAATGATAAAACT[G>C]TAAGTGAAAAAAATAATAAATGCCAACTGATATTACAAAATAATATTGAAATGACTACTG-3'
Protein context (NP_000050.3, residues 1273-1293): FKIENHNDKT[Val1283Leu]SEKNNKCQLI

ClinVar aggregate classification (germline): Conflicting classifications of pathogenicity. Review status: criteria provided, conflicting classifications (1 of 4 stars). 2 submissions from 2 submitters: Uncertain significance (1); Likely benign (1). Last evaluated 2023-03-23.

Conditions:
Hereditary cancer-predisposing syndrome. Also called: Hereditary Cancer Syndrome; Tumor predisposition; Neoplastic Syndromes, Hereditary; Hereditary neoplastic syndrome. Identifiers: Orphanet 140162, MedGen C0027672, MeSH D009386, MONDO:0015356.
Hereditary breast ovarian cancer syndrome. Also called: Hereditary breast and ovarian cancer syndrome (HBOC); Hereditary breast and/or ovarian cancer syndrome; Hereditary breast and ovarian cancer; BRCA1- and BRCA2-Associated Hereditary Breast and Ovarian Cancer; Breast and ovarian cancer; Hereditary breast and ovarian cancer syndrome. Identifiers: Orphanet 145, MedGen C0677776, MeSH D061325, MONDO:0003582. Disease mechanism: loss of function.

Submissions (2):

University of Washington Department of Laboratory Medicine, University of Washington
Classification: Likely benign for Hereditary cancer-predisposing syndrome. Last evaluated: 2023-03-23. Review status: criteria provided, single submitter. Criteria: Dines et al. (Genet Med. 2020). Collection method: curation. Allele origin: germline.
Comment: Missense variant in a coldspot region where missense variants are very unlikely to be pathogenic (PMID:31911673).

BRCA2 exon 11 coldspot. Reclassification based on statistical prior probability.

Labcorp Genetics (formerly Invitae), Labcorp
Classification: Uncertain significance for Hereditary breast ovarian cancer syndrome. Last evaluated: 2022-04-04. Review status: criteria provided, single submitter. Criteria: Invitae Variant Classification Sherloc (09022015). Collection method: clinical testing. Allele origin: germline.
Comment: In summary, the available evidence is currently insufficient to determine the role of this variant in disease. Therefore, it has been classified as a Variant of Uncertain Significance. Advanced modeling of protein sequence and biophysical properties (such as structural, functional, and spatial information, amino acid conservation, physicochemical variation, residue mobility, and thermodynamic stability) performed at Invitae indicates that this missense variant is not expected to disrupt BRCA2 protein function. This variant has not been reported in the literature in individuals affected with BRCA2-related conditions. This variant is not present in population databases (gnomAD no frequency). This sequence change replaces valine, which is neutral and non-polar, with leucine, which is neutral and non-polar, at codon 1283 of the BRCA2 protein (p.Val1283Leu).